The following is an entry in ClinVar:

ClinVar aggregate classification (germline): Benign (1 of 4 stars; one submission).

Allele frequency attached by ClinVar (database versions not stated): 1000 Genomes Project 0.03295; 1000 Genomes Project 30x 0.03498; gnomAD 0.03590 and 0.03680; TOPMed 0.04034.
gnomAD v4.1: 5,462 of 152,288 alleles (3.6%); highest among the groups gnomAD compares: Middle Eastern, 11%; 141 homozygotes.

Submission:

GeneDx
Classification: Benign. Last evaluated: 2018-06-19. Review status: criteria provided, single submitter. Criteria: GeneDx Variant Classification (06012015). Collection method: clinical testing. Allele origin: germline. Affected: yes.
Comment: This variant is considered likely benign or benign based on one or more of the following criteria: it is a conservative change, it occurs at a poorly conserved position in the protein, it is predicted to be benign by multiple in silico algorithms, and/or has population frequency not consistent with disease.

NM_020822.3(KCNT1):c.2244-327C>T

Gene: KCNT1 (potassium sodium-activated channel subfamily T member 1; plus strand). Cytogenetic location: 9q34.3.
Variant type: single nucleotide variant.
Coding change: c.2244-327C>T on transcript NM_020822.3 (MANE Select); 327 bases into the intron before coding-DNA position 2244, C replaced by T.
Molecular consequence: intron variant.
Genome position (GRCh38, 1-based): chr9:135,774,983, C>T. VCF-style: chr9-135774983-C-T. GRCh37 (hg19) VCF-style: chr9-138666829-C-T.
Other names: c.2109-327C>T (NM_001272003.2).
Identifiers: ClinVar variation 671967 (VCV000671967.1), dbSNP rs76916715, ClinGen allele CA201475960.